The following is an entry in ClinVar:

NM_000052.7(ATP7A):c.-22+117T>C

Gene: ATP7A (ATPase copper transporting alpha; plus strand). Cytogenetic location: Xq21.1.
Variant type: single nucleotide variant.
Coding change: c.-22+117T>C on transcript NM_000052.7 (MANE Select); 117 bases into the intron after 22 bases upstream of the start codon, T replaced by C.
Molecular consequence: intron variant.
Genome position (GRCh38, 1-based): chrX:77,910,952, T>C. VCF-style: chrX-77910952-T-C. GRCh37 (hg19) VCF-style: chrX-77166449-T-C.
Other names: c.-22+117T>C (NM_001282224.2).
Identifiers: ClinVar variation 678099 (VCV000678099.1), dbSNP rs2184780, ClinGen allele CA331581472.

ClinVar aggregate classification (germline): Benign (1 of 4 stars; one submission).

Allele frequency attached by ClinVar (database versions not stated): 1000 Genomes Project 0.99788; 1000 Genomes Project 30x 0.99813; TOPMed 0.99846; gnomAD 0.99913.

Submission:

GeneDx
Classification: Benign. Last evaluated: 2018-06-20. Review status: criteria provided, single submitter. Criteria: GeneDx Variant Classification (06012015). Collection method: clinical testing. Allele origin: germline. Affected: yes.
Comment: This variant is considered likely benign or benign based on one or more of the following criteria: it is a conservative change, it occurs at a poorly conserved position in the protein, it is predicted to be benign by multiple in silico algorithms, and/or has population frequency not consistent with disease.